The following is an entry in ClinVar:

ClinVar aggregate classification (germline): Likely benign (1 of 4 stars; one submission).

Allele frequency attached by ClinVar (database versions not stated): TOPMed below 0.00001 and 0.00001; gnomAD 0.00003.

Submission:

GeneDx
Classification: Likely benign. Last evaluated: 2017-07-21. Review status: criteria provided, single submitter. Criteria: GeneDx Variant Classification (06012015). Collection method: clinical testing. Allele origin: germline. Affected: yes.
Comment: This variant is considered likely benign or benign based on one or more of the following criteria: it is a conservative change, it occurs at a poorly conserved position in the protein, it is predicted to be benign by multiple in silico algorithms, and/or has population frequency not consistent with disease.

NM_002156.5(HSPD1):c.-3+4C>T

Genes: HSPD1 (heat shock protein family D (Hsp60) member 1; minus strand), LOC129935358 (ATAC-STARR-seq lymphoblastoid silent region 12213; plus strand). Cytogenetic location: 2q33.1.
Variant type: single nucleotide variant.
Coding change: c.-3+4C>T on transcript NM_002156.5 (MANE Select); 4 bases into the intron after 3 bases upstream of the start codon, C replaced by T.
Molecular consequence: intron variant.
Genome position (GRCh38, 1-based): chr2:197,499,778, G>A on the plus strand (C>T on the coding strand, the complement: HSPD1 is on the minus strand). VCF-style: chr2-197499778-G-A. GRCh37 (hg19) VCF-style: chr2-198364502-G-A.
Other names: c.-3+382C>T (NM_199440.2).
Identifiers: ClinVar variation 509987 (VCV000509987.1), dbSNP rs1359536242, ClinGen allele CA658796134.